The following is an entry in ClinVar:

NM_003998.4(NFKB1):c.1953C>T (p.Asp651=)

Gene: NFKB1 (nuclear factor kappa B subunit 1; plus strand). Cytogenetic location: 4q24.
Variant type: single nucleotide variant.
Coding change: c.1953C>T on transcript NM_003998.4 (MANE Select); coding-DNA position 1953, C replaced by T.
Protein change: p.Asp651=; no amino-acid change (aspartic acid 651 retained).
Molecular consequence: synonymous variant.
Genome position (GRCh38, 1-based): chr4:102,606,696, C>T. VCF-style: chr4-102606696-C-T. GRCh37 (hg19) VCF-style: chr4-103527853-C-T.
Other names: c.1950C>T, p.Asp650= (NM_001165412.2, NM_001319226.2, NM_001382627.1); c.1953C>T, p.Asp651= (NM_001382625.1, NM_001382626.1); c.1911C>T, p.Asp637= (NM_001382628.1).
Identifiers: ClinVar variation 2146544 (VCV002146544.4), dbSNP rs771536273, ClinGen allele CA3026282.
Genomic context (GRCh38, chr4:102,606,696, plus strand): 5'-TCTCAGTATCTTACTCAAGCACAAAAAGGCAGCACTACTTCTTGACCACCCCAACGGGGA[C>T]GGTAAGAGACAATCACACATCATTGGTGTAACTTTCTCCACCTTCTAAATATCTACTAGG-3'
Protein context (NP_003989.2, residues 641-661): AALLLDHPNG[Asp651=]GLNAIHLAMM

ClinVar aggregate classification (germline): Uncertain significance (1 of 4 stars; one submission).

Allele frequency attached by ClinVar (database versions not stated): gnomAD 0.00001; TOPMed 0.00002; ExAC 0.00005; gnomAD exomes 0.00006.
gnomAD v4.1: 84 of 1,612,788 alleles (0.0052%); highest among the groups gnomAD compares: Admixed American, 0.0084%; no homozygotes.

Submission:

Labcorp Genetics (formerly Invitae), Labcorp
Classification: Uncertain significance. Last evaluated: 2025-10-28. Review status: criteria provided, single submitter. Criteria: Invitae Variant Classification Sherloc (09022015). Collection method: clinical testing. Allele origin: germline.
Comment: This sequence change affects codon 651 of the NFKB1 mRNA. It is a 'silent' change, meaning that it does not change the encoded amino acid sequence of the NFKB1 protein. It affects a nucleotide within the consensus splice site. This variant is present in population databases (rs771536273, gnomAD 0.01%). This variant has not been reported in the literature in individuals affected with NFKB1-related conditions. ClinVar contains an entry for this variant (Variation ID: 2146544). Algorithms developed to predict the effect of sequence changes on RNA splicing suggest that this variant is not likely to affect RNA splicing. In summary, the available evidence is currently insufficient to determine the role of this variant in disease. Therefore, it has been classified as a Variant of Uncertain Significance.